The following is an entry in ClinVar:

ClinVar aggregate classification (germline): Uncertain significance. Review status: criteria provided, multiple submitters, no conflicts (2 of 4 stars). 2 submissions from 2 submitters: Uncertain significance (2). Last evaluated 2022-11-22.

Conditions:
Inborn genetic diseases. Identifiers: MedGen C0950123, MeSH D030342.

Allele frequency attached by ClinVar (database versions not stated): gnomAD exomes below 0.00001; ExAC 0.00001; TOPMed 0.00001.
gnomAD v4.1: 2 of 1,613,286 alleles (0.00012%); highest among the groups gnomAD compares: African/African-American, 0.0013%; no homozygotes.

Submissions (2):

Labcorp Genetics (formerly Invitae), Labcorp
Classification: Uncertain significance. Last evaluated: 2022-11-22. Review status: criteria provided, single submitter. Criteria: Invitae Variant Classification Sherloc (09022015). Collection method: clinical testing. Allele origin: germline.
Comment: This variant is present in population databases (rs770193381, gnomAD 0.007%). This sequence change replaces arginine, which is basic and polar, with histidine, which is basic and polar, at codon 1406 of the CHD8 protein (p.Arg1406His). This variant has not been reported in the literature in individuals affected with CHD8-related conditions. In summary, the available evidence is currently insufficient to determine the role of this variant in disease. Therefore, it has been classified as a Variant of Uncertain Significance. Advanced modeling of protein sequence and biophysical properties (such as structural, functional, and spatial information, amino acid conservation, physicochemical variation, residue mobility, and thermodynamic stability) performed at Invitae indicates that this missense variant is expected to disrupt CHD8 protein function. ClinVar contains an entry for this variant (Variation ID: 588192).

Ambry Genetics
Classification: Uncertain significance for Inborn genetic diseases. Last evaluated: 2016-08-31. Review status: criteria provided, single submitter. Criteria: Ambry Variant Classification Scheme 2023. Collection method: clinical testing. Allele origin: germline.
Comment: The p.R1406H variant (also known as c.4217G>A), located in coding exon 21 of the CHD8 gene, results from a G to A substitution at nucleotide position 4217. The arginine at codon 1406 is replaced by histidine, an amino acid with highly similar properties. This variant was not reported in population based cohorts in the following databases: Database of Single Nucleotide Polymorphisms (dbSNP), NHLBI Exome Sequencing Project (ESP), and 1000 Genomes Project. In the ESP, this variant was not observed in 6124 samples (12248 alleles) with coverage at this position. This amino acid position is highly conserved in available vertebrate species. In addition, the in silico prediction for this alteration is inconclusive. Since supporting evidence is limited at this time, the clinical significance of this variant remains unclear.

NM_001170629.2(CHD8):c.4217G>A (p.Arg1406His)

Gene: CHD8 (chromodomain helicase DNA binding protein 8; minus strand). Cytogenetic location: 14q11.2.
Variant type: single nucleotide variant.
Coding change: c.4217G>A on transcript NM_001170629.2 (MANE Select); coding-DNA position 4217, G replaced by A.
Protein change: p.Arg1406His; replaces arginine 1406 with histidine.
Molecular consequence: missense variant.
Genome position (GRCh38, 1-based): chr14:21,401,028, C>T on the plus strand (G>A on the coding strand, the complement: CHD8 is on the minus strand). VCF-style: chr14-21401028-C-T. GRCh37 (hg19) VCF-style: chr14-21869187-C-T.
Other names: c.3380G>A, p.Arg1127His (NM_020920.4); short protein forms R1127H, R1406H.
Identifiers: ClinVar variation 588192 (VCV000588192.10), dbSNP rs770193381, ClinGen allele CA7091266.
Genomic context (GRCh38, chr14:21,401,028, plus strand): 5'-TCCTCACTTTCCAAATCAGAGAATTCCACCAGGTCATCATCTTTCAGAGTGCTAAAGTGG[C>T]GCGTTTGTTTTCGTACTCTAGGTGTGTCAATTACCAAATTATTCTATGAAGAGAACAGAA-3'
Protein context (NP_001164100.1, residues 1396-1416): IDTPRVRKQT[Arg1406His]HFSTLKDDDL